The following is an entry in ClinVar:

ClinVar aggregate classification (germline): Conflicting classifications of pathogenicity. Review status: criteria provided, conflicting classifications (1 of 4 stars). 11 submissions from 11 submitters: Uncertain significance (7); Likely benign (4). Last evaluated 2026-02-16.

Conditions:
Euthyroid goiter (MNG1). Also called: SIMPLE GOITER; Goiter, multinodular 1, with or without Sertoli-Leydig cell tumors; GOITER, NONTOXIC, WITH INTRATHYROIDAL CALCIFICATION; MULTINODULAR GOITER, ADOLESCENT. Identifiers: Orphanet 276399, MedGen C0302859, MONDO:0007681, OMIM 138800, HP:0009798.
Rhabdomyosarcoma, embryonal, 2 (RMSE2). Identifiers: MedGen C1867234, MONDO:0859046, OMIM 180295.
DICER1-related tumor predisposition. Also called: DICER1-related pleuropulmonary blastoma cancer predisposition syndrome; DICER1 syndrome. Identifiers: Orphanet 284343, MedGen C3839822, MONDO:0100216.
Pleuropulmonary blastoma (PPB). Identifiers: Orphanet 64742, MedGen C1266144, MONDO:0011014, OMIM 601200, HP:0100528.
DICER1-related disorder. Also called: DICER1-related condition.
Hereditary cancer-predisposing syndrome. Also called: Hereditary Cancer Syndrome; Neoplastic Syndromes, Hereditary; Tumor predisposition; Hereditary neoplastic syndrome. Identifiers: Orphanet 140162, MedGen C0027672, MeSH D009386, MONDO:0015356.

Allele frequency attached by ClinVar (database versions not stated): gnomAD exomes 0.00007 and 0.00005; gnomAD 0.00006; TOPMed 0.00006; ExAC 0.00006.
gnomAD v4.1: 84 of 1,614,026 alleles (0.0052%); highest among the groups gnomAD compares: Admixed American, 0.03%; no homozygotes.

Submissions (11):

Dasa
Classification: Uncertain significance. Last evaluated: 2026-02-16. Review status: criteria provided, single submitter. Criteria: DASA Assertion Criteria. Collection method: clinical testing. Allele origin: germline.
Comment: NM_177438.3(DICER1):c.5738A>G (p.Lys1913Arg) is a missense variant that results in the substitution of lysine with arginine. This variant is rare in population databases. The currently available literature and clinical evidence are not sufficient to establish a definitive association between this variant and the reported condition. Therefore, this variant is classified as a variant of uncertain significance.

Labcorp Genetics (formerly Invitae), Labcorp
Classification: Likely benign for DICER1-related tumor predisposition. Last evaluated: 2026-01-22. Review status: criteria provided, single submitter. Criteria: Invitae Variant Classification Sherloc (09022015). Collection method: clinical testing. Allele origin: germline.

Ambry Genetics
Classification: Uncertain significance for Hereditary cancer-predisposing syndrome. Last evaluated: 2025-08-27. Review status: criteria provided, single submitter. Criteria: Ambry Variant Classification Scheme 2023. Collection method: clinical testing. Allele origin: germline.

PreventionGenetics, part of Exact Sciences
Classification: Uncertain significance for DICER1-related condition. Last evaluated: 2025-08-14. Review status: criteria provided, single submitter. Criteria: ACMG Guidelines, 2015. Collection method: clinical testing. Allele origin: germline.
Comment: The DICER1 c.5738A>G variant is predicted to result in the amino acid substitution p.Lys1913Arg. This variant has been reported in an individual with a prolactin pituitary adenoma and secondary amenorrhea (Martínez de LaPiscina et al. 2021. PubMed ID: 34313605). This variant is reported in 0.042% of alleles in individuals of Latino descent in gnomAD and has conflicting interpretations regarding its pathogenicity in ClinVar, ranging from likely benign to uncertain (Variation ID: 315100). At this time, the clinical significance of this variant is uncertain due to the absence of conclusive functional and genetic evidence.

Quest Diagnostics Nichols Institute San Juan Capistrano
Classification: Uncertain significance. Last evaluated: 2025-02-14. Review status: criteria provided, single submitter. Criteria: Quest Diagnostics criteria. Collection method: clinical testing. Allele origin: unknown.
Comment: The DICER1 c.5738A>G (p.Lys1913Arg) variant has been reported in the published literature in an individual affected with a prolactin pituitary adenoma and secondary amenorrhoea (PMID: 34313605 (2021)). The frequency of this variant in the general population (Genome Aggregation Database) is higher than would generally be expected for pathogenic variants in this gene. Analysis of this variant using bioinformatics tools for the prediction of the effect of amino acid changes on protein structure and function yielded predictions that this variant is damaging. Based on the available information, we are unable to determine the clinical significance of this variant.

Hereditary Cancer Group, L’Institut d'Investigació Biomèdica de Bellvitge
Classification: Likely benign for Hereditary cancer-predisposing syndrome. Last evaluated: 2024-12-19. Review status: criteria provided, single submitter. Criteria: Hatton et al. (Hum Mutat. 2023). Collection method: clinical testing. Allele origin: germline. Inheritance: Autosomal dominant inheritance. Affected: yes.
Comment: BS1, BP4

Blueprint Genetics
Classification: Likely benign. Last evaluated: 2024-11-13. Review status: criteria provided, single submitter. Criteria: ACMG Guidelines, 2015. Collection method: clinical testing. Allele origin: germline.

St. Jude Molecular Pathology, St. Jude Children's Research Hospital
Classification: Uncertain significance for Pleuropulmonary blastoma. Last evaluated: 2024-07-25. Review status: criteria provided, single submitter. Criteria: St. Jude Assertion Criteria 2020. Collection method: clinical testing. Allele origin: germline.
Comment: The DICER1 c.5738A>G (p.Lys1913Arg) missense change has a maximum subpopulation frequency of 0.042% in gnomAD v2.1.1. The in silico tool REVEL predicts a benign effect on protein function and no splicing effects are predicted, but to our knowledge these predictions have not been confirmed by functional studies. This variant has been reported in one individual with prolactinoma (PMID: 34313605). To our knowledge, this variant has not been reported in individuals with DICER1-associated tumors. In summary, the evidence currently available is insufficient to determine the clinical significance of this variant. It has therefore been classified as of uncertain significance.

Sema4
Classification: Uncertain significance for Hereditary cancer-predisposing syndrome. Last evaluated: 2021-11-22. Review status: criteria provided, single submitter. Criteria: Sema4 Curation Guidelines. Collection method: curation. Allele origin: germline.
Comment: The DICER1 c.5738A>G (p.K1913R) variant has been reported in heterozygosity in at least one individuals with prolactinoma (PMID: 34313605). It was observed in 15/35440 chromosomes of the Latino subpopulation, with no homozygotes, in the large and broad cohorts of the Genome Aggregation Database (PMID: 32461654). The variant has been reported in ClinVar (Variation ID 315100). Functional studies have not been performed, and in silico predictions of the variant's effect on protein function are inconclusive. The evidence is insufficient to meet ACMG/AMP criteria for classifying the variant as benign or pathogenic. Thus, the clinical significance of this variant is currently uncertain.

Fulgent Genetics
Classification: Uncertain significance for Euthyroid goiter; Rhabdomyosarcoma, embryonal, 2; Pleuropulmonary blastoma. Last evaluated: 2018-10-31. Review status: criteria provided, single submitter. Criteria: ACMG Guidelines, 2015. Collection method: clinical testing. Allele origin: unknown.

Illumina Laboratory Services, Illumina
Classification: Likely benign for Pleuropulmonary blastoma. Last evaluated: 2018-01-12. Review status: criteria provided, single submitter. Criteria: ICSL Variant Classification Criteria 13 December 2019. Collection method: clinical testing. Allele origin: germline.
Comment: This variant was observed in the ICSL laboratory as part of a predisposition screen in an ostensibly healthy population. It had not been previously curated by ICSL or reported in the Human Gene Mutation Database (HGMD: prior to June 1st, 2018), and was therefore a candidate for classification through an automated scoring system. Utilizing variant allele frequency, disease prevalence and penetrance estimates, and inheritance mode, an automated score was calculated to assess if this variant is too frequent to cause the disease. Based on the score and internal cut-off values, a variant classified as likely benign is not then subjected to further curation. The score for this variant resulted in a classification of likely benign for this disease.

Literature cited by the submitters: PubMed 34313605 (cited by Quest Diagnostics Nichols Institute San Juan Capistrano and Sema4).

NM_177438.3(DICER1):c.5738A>G (p.Lys1913Arg)

Gene: DICER1 (dicer 1, ribonuclease III; minus strand). Cytogenetic location: 14q32.13.
Variant type: single nucleotide variant.
Coding change: c.5738A>G on transcript NM_177438.3 (MANE Select); coding-DNA position 5738, A replaced by G.
Protein change: p.Lys1913Arg; replaces lysine 1913 with arginine.
Molecular consequence: missense variant. On other transcripts: 3 prime UTR variant (1).
Genome position (GRCh38, 1-based): chr14:95,090,529, T>C on the plus strand (A>G on the coding strand, the complement: DICER1 is on the minus strand). VCF-style: chr14-95090529-T-C. GRCh37 (hg19) VCF-style: chr14-95556866-T-C.
Other names: c.*85A>G (NM_001195573.1); c.5738A>G, p.Lys1913Arg (NM_001271282.3, NM_001291628.2, NM_030621.4); short protein forms K1913R.
Identifiers: ClinVar variation 315100 (VCV000315100.31), dbSNP rs752116341, ClinGen allele CA7330599.
Genomic context (GRCh38, chr14:95,090,529, plus strand): 5'-TTTCTTGTTTTGAATTTTAAAAAGCGGTTTCAGCTATTGGGAACCTGAGGTTGATTAGCT[T>C]TGAGGCTTCGGAGGGCTCTTCTTGCTGCTGCAGATTTGGCAATCCTGTAACTTCGACCAA-3'
Protein context (NP_803187.1, residues 1903-1922): AAARRALRSL[Lys1913Arg]ANQPQVPNS